The following is an entry in ClinVar:

NM_198586.3(NHLRC1):c.779A>G (p.His260Arg)

Gene: NHLRC1 (NHL repeat containing E3 ubiquitin protein ligase 1; minus strand). Cytogenetic location: 6p22.3.
Variant type: single nucleotide variant.
Coding change: c.779A>G on transcript NM_198586.3 (MANE Select); coding-DNA position 779, A replaced by G.
Protein change: p.His260Arg; replaces histidine 260 with arginine.
Molecular consequence: missense variant.
Genome position (GRCh38, 1-based): chr6:18,121,828, T>C on the plus strand (A>G on the coding strand, the complement: NHLRC1 is on the minus strand). VCF-style: chr6-18121828-T-C. GRCh37 (hg19) VCF-style: chr6-18122059-T-C.
Other names: short protein forms H260R.
Identifiers: ClinVar variation 373530 (VCV000373530.2), dbSNP rs144043056, ClinGen allele CA16042648.

ClinVar aggregate classification (germline): Uncertain significance. Review status: criteria provided, multiple submitters, no conflicts (2 of 4 stars). 2 submissions from 2 submitters: Uncertain significance (2). Last evaluated 2025-10-15.

Conditions:
Inborn genetic diseases. Identifiers: MedGen C0950123, MeSH D030342.

gnomAD v4.1: 8 of 1,614,020 alleles (0.0005%); highest among the groups gnomAD compares: Non-Finnish European, 0.00068%; no homozygotes.

Submissions (2):

Ambry Genetics
Classification: Uncertain significance for Inborn genetic diseases. Last evaluated: 2025-10-15. Review status: criteria provided, single submitter. Criteria: Ambry Variant Classification Scheme 2023. Collection method: clinical testing. Allele origin: germline.

GeneDx
Classification: Uncertain significance. Last evaluated: 2016-11-21. Review status: criteria provided, single submitter. Criteria: GeneDx Variant Classification (06012015). Collection method: clinical testing. Allele origin: germline. Affected: yes.
Comment: A variant of uncertain significance has been identified in the NHLRC1 gene. The H260R variant has not been published as a pathogenic variant, nor has it been reported as a benign variant to our knowledge. It was not observed in approximately 6,500 individuals of European and African American ancestry in the NHLBI Exome Sequencing Project, indicating it is not a common benign variant in these populations. The H260R variant is conservative amino acid substitution, which is not likely to impact secondary protein structure as these residues share similar properties. This substitution occurs at a position that is not conserved and in silico analysis predicts this variant likely does not alter the protein structure/function. However, a missense variant in a nearby residue (L261P) has been reported in the Human Gene Mutation Database in association with NHLRC1-related disorders (Stenson et al., 2014). Therefore, based on the currently available information, it is unclear whether this variant is a pathogenic variant or a rare benign variant.